The following is an entry in ClinVar:

ClinVar aggregate classification (germline): Uncertain significance (1 of 4 stars; one submission).

Conditions:
Familial adenomatous polyposis 1 (FAP1). Also called: POLYPOSIS, ADENOMATOUS INTESTINAL; FAMILIAL ADENOMATOUS POLYPOSIS 1, ATTENUATED. Identifiers: MedGen C2713442, MONDO:0021056, OMIM 175100. Disease mechanism: loss of function.

Submission:

Labcorp Genetics (formerly Invitae), Labcorp
Classification: Uncertain significance for Familial adenomatous polyposis 1. Last evaluated: 2025-10-07. Review status: criteria provided, single submitter. Criteria: Invitae Variant Classification Sherloc (09022015). Collection method: clinical testing. Allele origin: germline.
Comment: This variant occurs in a non-coding region of the APC gene. It does not change the encoded amino acid sequence of the APC protein. This variant is not present in population databases (gnomAD no frequency). This variant has not been reported in the literature in individuals affected with APC-related conditions. Experimental studies and prediction algorithms are not available or were not evaluated, and the functional significance of this variant is currently unknown. In summary, the available evidence is currently insufficient to determine the role of this variant in disease. Therefore, it has been classified as a Variant of Uncertain Significance.

NC_000005.10:g.112707350C>A

Gene: APC (APC regulator of Wnt signaling pathway; plus strand). Cytogenetic location: 5q22.2.
Variant type: single nucleotide variant.
Genome position: GRCh38 VCF-style: chr5-112707350-C-A. GRCh37 (hg19) VCF-style: chr5-112043047-C-A.
Identifiers: ClinVar variation 1020616 (VCV001020616.48), dbSNP rs1750550790, ClinGen allele CA1573442187.